The following is an entry in ClinVar:

ClinVar aggregate classification (germline): Likely benign. Review status: criteria provided, multiple submitters, no conflicts (2 of 4 stars). 2 submissions from 2 submitters: Likely benign (2). Last evaluated 2025-06-12.

Conditions:
Walker-Warburg congenital muscular dystrophy. Also called: Muscular dystrophy-dystroglycanopathy, type A; Walker-Warburg syndrome. Identifiers: Orphanet 899, MedGen C0265221, MONDO:0000171.

Allele frequency attached by ClinVar (database versions not stated): gnomAD 0.00001; TOPMed 0.00001.
gnomAD v4.1: 6 of 1,600,846 alleles (0.00037%); highest among the groups gnomAD compares: Admixed American, 0.0017%; no homozygotes.

Submissions (2):

Labcorp Genetics (formerly Invitae), Labcorp
Classification: Likely benign for Walker-Warburg congenital muscular dystrophy. Last evaluated: 2025-06-12. Review status: criteria provided, single submitter. Criteria: Invitae Variant Classification Sherloc (09022015). Collection method: clinical testing. Allele origin: germline.

GeneDx
Classification: Likely benign. Last evaluated: 2016-12-15. Review status: criteria provided, single submitter. Criteria: GeneDx Variant Classification (06012015). Collection method: clinical testing. Allele origin: germline. Affected: yes.
Comment: This variant is considered likely benign or benign based on one or more of the following criteria: it is a conservative change, it occurs at a poorly conserved position in the protein, it is predicted to be benign by multiple in silico algorithms, and/or has population frequency not consistent with disease.

NM_001079802.2(FKTN):c.106-18C>T

Gene: FKTN (fukutin; plus strand). Cytogenetic location: 9q31.2.
Variant type: single nucleotide variant.
Coding change: c.106-18C>T on transcript NM_001079802.2 (MANE Select); 18 bases into the intron before coding-DNA position 106, C replaced by T.
Molecular consequence: intron variant.
Genome position (GRCh38, 1-based): chr9:105,596,580, C>T. VCF-style: chr9-105596580-C-T. GRCh37 (hg19) VCF-style: chr9-108358861-C-T.
Other names: c.106-18C>T (NM_006731.2, NM_001351496.2, NM_001198963.2 and 1 more transcripts); c.-409-18C>T (NM_001351502.2, NM_001351499.2, NM_001351500.2 and 1 more transcripts); c.-62-18C>T (NM_001351497.2).
Identifiers: ClinVar variation 391752 (VCV000391752.5), dbSNP rs748663594, ClinGen allele CA16605535.